The following is an entry in ClinVar:

ClinVar aggregate classification (germline): Pathogenic (1 of 4 stars; one submission).

Conditions:
Alveolar capillary dysplasia with pulmonary venous misalignment. Also called: Alveolar capillary dysplasia with misalignment of pulmonary veins; Congenital alveolar capillary dysplasia; ALVEOLAR CAPILLARY DYSPLASIA WITH MISALIGNMENT OF PULMONARY VEINS AND OTHER CONGENITAL ANOMALIES. Identifiers: Orphanet 210122, MedGen C2960310, MONDO:0009934, OMIM 265380.

Submission:

Institute for Medical Genetics and Human Genetics, Charité - Universitätsmedizin Berlin
Classification: Pathogenic for Alveolar capillary dysplasia with pulmonary venous misalignment. Review status: criteria provided, single submitter. Criteria: ACMG Guidelines, 2015. Collection method: clinical testing. Allele origin: de novo. Inheritance: Autosomal dominant inheritance. Affected: yes. Observed: 1 heterozygote.
Comment: The result could be confirmed by Sanger sequencing. The above sequence variant was not detectable in the parents. Therefore, the sequence variant probably originated de novo. FOXF1 (MIM* 601089) encodes for the transcription factor Forkhead-Box-F1 (FOXF1) Heterozygous mutations in FOXF1 are associated with the clinical picture of congenital alveolar capillary dysplasia (ACDMPV, MIM #265380). Newborns present with severe respiratory insufficiency with therapy-refractory persistent pulmonary hypertension due to an altered air-blood barrier in the alveoli. Histologically there is a drastic reduction of the capillaries. Sequence variant c.57_60del leads to a shift in the reading frame and thus very probably to premature termination of protein biosynthesis. The variant is not listed in the population database gnomAD. To our knowledge the sequence variant has not been described as the cause of alveolar capillary dysplasia. Similar functional loss mutations have already been described as causative (Szafranski et al. 2016; Bourque et al. 2019; HGMD). According to current knowledge, this is a pathogenic sequence variant (class V).

NM_001451.3(FOXF1):c.57_60del (p.Gly20fs)

Genes: FENDRR (FOXF1 adjacent non-coding developmental regulatory RNA; minus strand), FOXF1 (forkhead box F1; plus strand). Cytogenetic location: 16q24.1.
Variant type: Deletion.
Coding change: c.57_60del on transcript NM_001451.3 (MANE Select); coding-DNA positions 57 to 60, 4 bases deleted (CGGG; older notation c.57_60delCGGG).
Protein change: p.Gly20fs; shifts the reading frame from glycine 20.
Molecular consequence: frameshift variant.
Genome position (GRCh38, 1-based): chr16:86,510,626-86,510,629, CGGG deleted; deleting any 4 consecutive bases within chr16:86,510,624-86,510,629 gives the same sequence; the c. name uses the placement nearest the transcript's 3' end. VCF-style (leftmost placement, unchanged base first): chr16-86510623-CGGCG-C. GRCh37 (hg19) VCF-style: chr16-86544229-CGGCG-C.
Other names: short protein forms G20fs.
Identifiers: ClinVar variation 973755 (VCV000973755.3), dbSNP rs1969545531, ClinGen allele CA1139664866.